The following is an entry in ClinVar:

Conditions:
Breast-ovarian cancer, familial, susceptibility to, 1 (BROVCA1). Also called: BRCA1 Hereditary Breast and Ovarian Cancer; OVARIAN CANCER, SUSCEPTIBILITY TO. Identifiers: Orphanet 145, MedGen C2676676, MONDO:0011450, OMIM 604370. Disease mechanism: loss of function.

Submission:

Brotman Baty Institute, University of Washington
No classification provided (evidence only). Condition: Breast-ovarian cancer, familial 1. Review status: no classification provided. Collection method: in vitro. Allele origin: not applicable. Functional consequence: functionally_abnormal.
ClinVar note: "not provided" was previously submitted as the classification for the variant. However, the classification appeared to be based only on an observation of functional data so it was converted to no classification on 2025-07-30.

NM_007294.4(BRCA1):c.213-6T>A

Gene: BRCA1 (BRCA1 DNA repair associated; minus strand). Cytogenetic location: 17q21.31.
Variant type: single nucleotide variant.
Coding change: c.213-6T>A on transcript NM_007294.4 (MANE Select); 6 bases into the intron before coding-DNA position 213, T replaced by A.
Molecular consequence: intron variant.
Genome position (GRCh38, 1-based): chr17:43,104,962, A>T on the plus strand (T>A on the coding strand, the complement: BRCA1 is on the minus strand). VCF-style: chr17-43104962-A-T. GRCh37 (hg19) VCF-style: chr17-41256979-A-T.
Other names: c.72-6T>A (NM_001408458.1, NM_001407931.1, NM_001407747.1 and 99 more transcripts); c.-218-10102T>A (NM_001407967.1, NM_001407966.1); c.-169-6T>A (NM_001407959.1, NM_001407962.1, NM_001408512.1 and 4 more transcripts); c.3-6T>A (NM_001407885.1, NM_001407886.1, NM_001407898.1 and 58 more transcripts); c.213-6T>A (NM_001407686.1, NM_001408397.1, NM_001407632.1 and 167 more transcripts); c.81-6T>A (NM_001408451.1); c.135-6T>A (NM_001408475.1, NM_001407875.1, NM_001407659.1 and 21 more transcripts).
Identifiers: ClinVar variation 865280 (VCV000865280.3), dbSNP rs2054700006, ClinGen allele CA916080850.